The following is an entry in ClinVar:

ClinVar aggregate classification (germline): Benign/Likely benign. Review status: criteria provided, multiple submitters, no conflicts (2 of 4 stars). 3 submissions from 3 submitters: Benign (1); Likely benign (2). Last evaluated 2025-09-21.

Conditions:
Oligodontia-cancer predisposition syndrome. Also called: TOOTH AGENESIS-COLORECTAL CANCER SYNDROME. Identifiers: Orphanet 300576, MedGen C1837750, MONDO:0012075, OMIM 608615. Disease mechanism: loss of function.
Hereditary cancer-predisposing syndrome. Also called: Tumor predisposition; Hereditary Cancer Syndrome; Neoplastic Syndromes, Hereditary; Hereditary neoplastic syndrome. Identifiers: Orphanet 140162, MedGen C0027672, MeSH D009386, MONDO:0015356.

Allele frequency attached by ClinVar (database versions not stated): TOPMed below 0.00001; gnomAD exomes 0.00001.
gnomAD v4.1: 5 of 1,613,392 alleles (0.00031%); highest among the groups gnomAD compares: Non-Finnish European, 0.00042%; no homozygotes.

Submissions (3):

Labcorp Genetics (formerly Invitae), Labcorp
Classification: Likely benign for Oligodontia-cancer predisposition syndrome. Last evaluated: 2025-09-21. Review status: criteria provided, single submitter. Criteria: Invitae Variant Classification Sherloc (09022015). Collection method: clinical testing. Allele origin: germline.

Myriad Genetics, Inc.
Classification: Benign for Oligodontia-cancer predisposition syndrome. Last evaluated: 2024-07-03. Review status: criteria provided, single submitter. Criteria: Myriad Autosomal Dominant, Autosomal Recessive and X-Linked Classification Criteria (2023). Collection method: clinical testing. Allele origin: unknown.
Comment: This variant is considered benign. This variant is a silent/synonymous amino acid change and it is not expected to impact splicing.

Ambry Genetics
Classification: Likely benign for Hereditary cancer-predisposing syndrome. Last evaluated: 2019-07-22. Review status: criteria provided, single submitter. Criteria: Ambry Variant Classification Scheme 2023. Collection method: clinical testing. Allele origin: germline.

NM_004655.4(AXIN2):c.1509A>G (p.Lys503=)

Gene: AXIN2 (axin 2; minus strand). Cytogenetic location: 17q24.1.
Variant type: single nucleotide variant.
Coding change: c.1509A>G on transcript NM_004655.4 (MANE Select); coding-DNA position 1509, A replaced by G.
Protein change: p.Lys503=; no amino-acid change (lysine 503 retained).
Molecular consequence: synonymous variant.
Genome position (GRCh38, 1-based): chr17:65,537,527, T>C on the plus strand (A>G on the coding strand, the complement: AXIN2 is on the minus strand). VCF-style: chr17-65537527-T-C. GRCh37 (hg19) VCF-style: chr17-63533645-T-C.
Other names: c.1509A>G, p.Lys503= (NM_001363813.1).
Identifiers: ClinVar variation 1112228 (VCV001112228.12), dbSNP rs1689259583, ClinGen allele CA501691513.